The following is an entry in ClinVar:

ClinVar aggregate classification (germline): Uncertain significance (1 of 4 stars; one submission).

Conditions:
Hyperammonemic encephalopathy due to carbonic anhydrase VA deficiency. Also called: Carbonic anhydrase VA deficiency, hyperammonemia due to; Carbonic Anhydrase VA Deficiency. Identifiers: Orphanet 401948, MedGen C4706871, MONDO:0014332, OMIM 615751.

Allele frequency attached by ClinVar (database versions not stated): gnomAD exomes below 0.00001.

Submission:

Labcorp Genetics (formerly Invitae), Labcorp
Classification: Uncertain significance for Hyperammonemic encephalopathy due to carbonic anhydrase VA deficiency. Last evaluated: 2025-04-08. Review status: criteria provided, single submitter. Criteria: Invitae Variant Classification Sherloc (09022015). Collection method: clinical testing. Allele origin: germline.
Comment: This sequence change replaces leucine, which is neutral and non-polar, with valine, which is neutral and non-polar, at codon 126 of the CA5A protein (p.Leu126Val). This variant is not present in population databases (gnomAD no frequency). This variant has not been reported in the literature in individuals affected with CA5A-related conditions. ClinVar contains an entry for this variant (Variation ID: 1493617). Invitae Evidence Modeling of protein sequence and biophysical properties (such as structural, functional, and spatial information, amino acid conservation, physicochemical variation, residue mobility, and thermodynamic stability) has been performed for this missense variant. However, the output from this modeling did not meet the statistical confidence thresholds required to predict the impact of this variant on CA5A protein function. In summary, the available evidence is currently insufficient to determine the role of this variant in disease. Therefore, it has been classified as a Variant of Uncertain Significance.

NM_001739.2(CA5A):c.376C>G (p.Leu126Val)

Gene: CA5A (carbonic anhydrase 5A; minus strand). Cytogenetic location: 16q24.2.
Variant type: single nucleotide variant.
Coding change: c.376C>G on transcript NM_001739.2 (MANE Select); coding-DNA position 376, C replaced by G.
Protein change: p.Leu126Val; replaces leucine 126 with valine.
Molecular consequence: missense variant. On other transcripts: non-coding transcript variant (1).
Genome position (GRCh38, 1-based): chr16:87,904,869, G>C on the plus strand (C>G on the coding strand, the complement: CA5A is on the minus strand). VCF-style: chr16-87904869-G-C. GRCh37 (hg19) VCF-style: chr16-87938475-G-C.
Other names: c.376C>G, p.Leu126Val (NM_001367225.1); short protein forms L126V.
Identifiers: ClinVar variation 1493617 (VCV001493617.6), dbSNP rs2143963929, ClinGen allele CA397042458.